The following is an entry in ClinVar:

ClinVar aggregate classification (germline): Uncertain significance (1 of 4 stars; one submission).

Conditions:
Hereditary nonpolyposis colorectal neoplasms. Identifiers: MedGen C0009405, MeSH D003123.

Allele frequency attached by ClinVar (database versions not stated): TOPMed below 0.00001.
gnomAD v4.1: 2 of 1,614,116 alleles (0.00012%); highest among the groups gnomAD compares: Non-Finnish European, 0.00017%; no homozygotes.

Submission:

Labcorp Genetics (formerly Invitae), Labcorp
Classification: Uncertain significance for Hereditary nonpolyposis colorectal neoplasms. Last evaluated: 2025-07-16. Review status: criteria provided, single submitter. Criteria: Invitae Variant Classification Sherloc (09022015). Collection method: clinical testing. Allele origin: germline.
Comment: This sequence change replaces leucine, which is neutral and non-polar, with phenylalanine, which is neutral and non-polar, at codon 941 of the MSH6 protein (p.Leu941Phe). This variant is not present in population databases (gnomAD no frequency). This variant has not been reported in the literature in individuals affected with MSH6-related conditions. ClinVar contains an entry for this variant (Variation ID: 1997556). Invitae Evidence Modeling of protein sequence and biophysical properties (such as structural, functional, and spatial information, amino acid conservation, physicochemical variation, residue mobility, and thermodynamic stability) indicates that this missense variant is not expected to disrupt MSH6 protein function with a negative predictive value of 95%. In summary, the available evidence is currently insufficient to determine the role of this variant in disease. Therefore, it has been classified as a Variant of Uncertain Significance.

NM_000179.3(MSH6):c.2821C>T (p.Leu941Phe)

Gene: MSH6 (mutS homolog 6; plus strand). Cytogenetic location: 2p16.3.
Variant type: single nucleotide variant.
Coding change: c.2821C>T on transcript NM_000179.3 (MANE Select); coding-DNA position 2821, C replaced by T.
Protein change: p.Leu941Phe; replaces leucine 941 with phenylalanine.
Molecular consequence: missense variant.
Genome position (GRCh38, 1-based): chr2:47,800,804, C>T. VCF-style: chr2-47800804-C-T. GRCh37 (hg19) VCF-style: chr2-48027943-C-T.
Other names: c.2431C>T, p.Leu811Phe (NM_001281492.2); c.1915C>T, p.Leu639Phe (NM_001281493.2, NM_001281494.2, NM_001406811.1 and 6 more transcripts); c.2917C>T, p.Leu973Phe (NM_001406795.1, NM_001406802.1); c.2821C>T, p.Leu941Phe (NM_001406796.1, NM_001406798.1, NM_001406800.1 and 2 more transcripts); c.2524C>T, p.Leu842Phe (NM_001406797.1, NM_001406801.1, NM_001406805.1 and 10 more transcripts); c.2296C>T, p.Leu766Phe (NM_001406799.1, NM_001406806.1, NM_001406807.1); c.2743C>T, p.Leu915Phe (NM_001406804.1); c.2653C>T, p.Leu885Phe (NM_001406826.1); and 2 more; short protein forms L256F, L885F, L811F, L915F, L941F, L943F, L639F, L766F.
Identifiers: ClinVar variation 1997556 (VCV001997556.4), dbSNP rs1114167730, ClinGen allele CA346755673.
Genomic context (GRCh38, chr2:47,800,804, plus strand): 5'-GCTCGAAAGACTGGACTTATTACTCCCAAAGCAGGCTTTGACTCTGATTATGACCAAGCT[C>T]TTGCTGACATAAGAGAAAATGAACAGAGCCTCCTGGAATACCTAGAGAAACAGCGCAACA-3'
Protein context (NP_000170.1, residues 931-951): AGFDSDYDQA[Leu941Phe]ADIRENEQSL